The following is an entry in ClinVar:

NM_001029896.2(WDR45):c.41T>C (p.Phe14Ser)

Genes: WDR45 (WD repeat domain 45; minus strand), LOC126863256 (BRD4-independent group 4 enhancer GRCh37_chrX:48934848-48936047; plus strand). Cytogenetic location: Xp11.23.
Variant type: single nucleotide variant.
Coding change: c.41T>C on transcript NM_001029896.2 (MANE Select); coding-DNA position 41, T replaced by C.
Protein change: p.Phe14Ser; replaces phenylalanine 14 with serine.
Molecular consequence: missense variant.
Genome position (GRCh38, 1-based): chrX:49,078,055, A>G on the plus strand (T>C on the coding strand, the complement: WDR45 is on the minus strand). VCF-style: chrX-49078055-A-G. GRCh37 (hg19) VCF-style: chrX-48935714-A-G.
Other names: c.41T>C, p.Phe14Ser (NM_007075.4); short protein forms F14S.
Identifiers: ClinVar variation 420854 (VCV000420854.2), dbSNP rs1064794744, ClinGen allele CA16621426.

ClinVar aggregate classification (germline): Likely pathogenic (1 of 4 stars; one submission).

Submission:

GeneDx
Classification: Likely pathogenic. Last evaluated: 2016-03-30. Review status: criteria provided, single submitter. Criteria: GeneDx Variant Classification (06012015). Collection method: clinical testing. Allele origin: germline. Affected: yes.
Comment: The F14S variant in the WDR45 gene has not been reported previously as a pathogenic variant nor as a benign variant, to our knowledge. The F14S variant was not observed in approximately 6500 individuals of European and African American ancestry in the NHLBI Exome Sequencing Project, indicating it is not a common benign variant in these populations. The F14S variant is a non-conservative amino acid substitution, which is likely to impact secondary protein structure as these residues differ in polarity, charge, size and/or other properties. This substitution occurs at a position that is conserved across species. In silico analysis is inconsistent in its predictions as to whether or not the variant is damaging to the protein structure/function. Therefore, F14S is a strong candidate for a pathogenic variant.